The following is an entry in ClinVar:

ClinVar aggregate classification (germline): Uncertain significance (1 of 4 stars; one submission).

Conditions:
Mucopolysaccharidosis, MPS-III-B (MPS3B). Also called: N-ACETYL-ALPHA-D-GLUCOSAMINIDASE DEFICIENCY; NAGLU DEFICIENCY; SANFILIPPO SYNDROME B; MPS III B; Mucopolysaccharidosis type IIIB (Sanfilippo B); MPS IIIB (Sanfilippo Syndrome Type B). Identifiers: Orphanet 79270, MedGen C0086648, MONDO:0009656, OMIM 252920.
Charcot-Marie-Tooth disease axonal type 2V. Also called: CHARCOT-MARIE-TOOTH NEUROPATHY, TYPE 2V; CHARCOT-MARIE-TOOTH DISEASE, AXONAL, AUTOSOMAL DOMINANT, TYPE 2V. Identifiers: Orphanet 447964, MedGen C5569050, MONDO:0014665, OMIM 616491.

gnomAD v4.1: 5 of 1,606,840 alleles (0.00031%); highest among the groups gnomAD compares: Middle Eastern, 0.016%; no homozygotes.

Submission:

Labcorp Genetics (formerly Invitae), Labcorp
Classification: Uncertain significance for Charcot-Marie-Tooth disease axonal type 2V; Mucopolysaccharidosis, MPS-III-B. Last evaluated: 2022-03-18. Review status: criteria provided, single submitter. Criteria: Invitae Variant Classification Sherloc (09022015). Collection method: clinical testing. Allele origin: germline.
Comment: This sequence change replaces glutamic acid, which is acidic and polar, with lysine, which is basic and polar, at codon 639 of the NAGLU protein (p.Glu639Lys). This variant is not present in population databases (gnomAD no frequency). This variant has not been reported in the literature in individuals affected with NAGLU-related conditions. Advanced modeling of protein sequence and biophysical properties (such as structural, functional, and spatial information, amino acid conservation, physicochemical variation, residue mobility, and thermodynamic stability) performed at Invitae indicates that this missense variant is expected to disrupt NAGLU protein function. In summary, the available evidence is currently insufficient to determine the role of this variant in disease. Therefore, it has been classified as a Variant of Uncertain Significance.

NM_000263.4(NAGLU):c.1915G>A (p.Glu639Lys)

Gene: NAGLU (N-acetyl-alpha-glucosaminidase; plus strand). Cytogenetic location: 17q21.2.
Variant type: single nucleotide variant.
Coding change: c.1915G>A on transcript NM_000263.4 (MANE Select); coding-DNA position 1915, G replaced by A.
Protein change: p.Glu639Lys; replaces glutamic acid 639 with lysine.
Molecular consequence: missense variant.
Genome position (GRCh38, 1-based): chr17:42,543,921, G>A. VCF-style: chr17-42543921-G-A. GRCh37 (hg19) VCF-style: chr17-40695939-G-A.
Other names: short protein forms E639K.
Identifiers: ClinVar variation 1991689 (VCV001991689.1), dbSNP rs555145190, ClinGen allele CA399605456.